The following is an entry in ClinVar:

NM_018389.5(SLC35C1):c.184C>G (p.Leu62Val)

Gene: SLC35C1 (solute carrier family 35 member C1; plus strand). Cytogenetic location: 11p11.2.
Variant type: single nucleotide variant.
Coding change: c.184C>G on transcript NM_018389.5 (MANE Select); coding-DNA position 184, C replaced by G.
Protein change: p.Leu62Val; replaces leucine 62 with valine.
Molecular consequence: missense variant.
Genome position (GRCh38, 1-based): chr11:45,805,985, C>G. VCF-style: chr11-45805985-C-G. GRCh37 (hg19) VCF-style: chr11-45827536-C-G.
Other names: c.145C>G, p.Leu49Val (NM_001145265.2, NM_001145266.2); short protein forms L49V, L62V.
Identifiers: ClinVar variation 1028108 (VCV001028108.2), dbSNP rs1318213708, ClinGen allele CA380202456.

ClinVar aggregate classification (germline): Uncertain significance. Review status: criteria provided, multiple submitters, no conflicts (2 of 4 stars). 2 submissions from 2 submitters: Uncertain significance (2). Last evaluated 2025-05-07.

Conditions:
Inborn genetic diseases. Identifiers: MedGen C0950123, MeSH D030342.
Leukocyte adhesion deficiency type II. Also called: CONGENITAL DISORDER OF GLYCOSYLATION, TYPE IIc; Congenital disorder of glycosylation type 2C; CDG 2C; Leukocyte adhesion deficiency type 2; Rambam Hasharon syndrome; CDG IIc. Identifiers: Orphanet 2968, Orphanet 99843, MedGen C0398739, MONDO:0009953, OMIM 266265.

Allele frequency attached by ClinVar (database versions not stated): gnomAD exomes below 0.00001.

Submissions (2):

Ambry Genetics
Classification: Uncertain significance for Inborn genetic diseases. Last evaluated: 2025-05-07. Review status: criteria provided, single submitter. Criteria: Ambry Variant Classification Scheme 2023. Collection method: clinical testing. Allele origin: germline.

Baylor Genetics
Classification: Uncertain significance for Leukocyte adhesion deficiency type II. Last evaluated: 2019-01-17. Review status: criteria provided, single submitter. Criteria: ACMG Guidelines, 2015. Collection method: clinical testing. Allele origin: maternal. Affected: yes.
Comment: This variant was determined to be of uncertain significance according to ACMG Guidelines, 2015 [PMID:25741868].